The following is an entry in ClinVar:

NC_000008.11:g.(?_43083118)_(43304769_?)dup

Genes: FNTA (farnesyltransferase, CAAX box, subunit alpha; plus strand), HGSNAT (heparan-alpha-glucosaminide N-acetyltransferase; plus strand), POMK (protein O-mannose kinase; plus strand), POTEA (POTE ankyrin domain family member A (gene/pseudogene); plus strand). Cytogenetic location: 8p11.21-11.1.
Variant type: Duplication.
Identifiers: ClinVar variation 830802 (VCV000830802.1).

ClinVar aggregate classification (germline): Uncertain significance (1 of 4 stars; one submission).

Conditions:
Retinitis pigmentosa 73 (RP73). Identifiers: Orphanet 791, MedGen C4225287, MONDO:0014687, OMIM 616544.
Mucopolysaccharidosis, MPS-III-C (MPS3C). Also called: SANFILIPPO SYNDROME C; mucopolysaccharidosis type 3C; Mucopolysaccharidosis type IIIC (Sanfilippo C); MPS IIIC (Sanfilippo Syndrome Type C); MUCOPOLYSACCHARIDOSIS, TYPE IIIC; MPS III C. Identifiers: Orphanet 581, Orphanet 79271, MedGen C0086649, MONDO:0009657, OMIM 252930.

Submission:

Labcorp Genetics (formerly Invitae), Labcorp
Classification: Uncertain significance for Retinitis pigmentosa 73; Mucopolysaccharidosis, MPS-III-C. Last evaluated: 2019-10-28. Review status: criteria provided, single submitter. Criteria: Invitae Variant Classification Sherloc (09022015). Collection method: clinical testing. Allele origin: germline.
Comment: This variant results in a copy number gain of the genomic region encompassing the full coding sequence of the HGSNAT gene. The boundaries of this event are unknown as they extend beyond the assayed region for this gene and therefore may encompass additional genes. As the precise location of this event is unknown, it may be in tandem or it may be located elsewhere in the genome. This variant has not been reported in the literature in individuals with HGSNAT-related conditions. In summary, the available evidence is currently insufficient to determine the role of this variant in disease. Therefore, it has been classified as a Variant of Uncertain Significance.